The following is an entry in ClinVar:

ClinVar aggregate classification (germline): Uncertain significance (1 of 4 stars; one submission).

Conditions:
Hereditary cancer-predisposing syndrome. Also called: Neoplastic Syndromes, Hereditary; Tumor predisposition; Hereditary neoplastic syndrome; Hereditary Cancer Syndrome. Identifiers: Orphanet 140162, MedGen C0027672, MeSH D009386, MONDO:0015356.

Submission:

Labcorp Genetics (formerly Invitae), Labcorp
Classification: Uncertain significance for Hereditary cancer-predisposing syndrome. Last evaluated: 2021-10-31. Review status: criteria provided, single submitter. Criteria: Invitae Variant Classification Sherloc (09022015). Collection method: clinical testing. Allele origin: germline.
Comment: In summary, the available evidence is currently insufficient to determine the role of this variant in disease. Therefore, it has been classified as a Variant of Uncertain Significance. Algorithms developed to predict the effect of missense changes on protein structure and function are either unavailable or do not agree on the potential impact of this missense change (SIFT: "Tolerated"; PolyPhen-2: "Possibly Damaging"; Align-GVGD: "Class C0"). This variant has not been reported in the literature in individuals affected with RAD50-related conditions. This variant is not present in population databases (gnomAD no frequency). This sequence change replaces isoleucine, which is neutral and non-polar, with leucine, which is neutral and non-polar, at codon 155 of the RAD50 protein (p.Ile155Leu).

NM_005732.4(RAD50):c.463A>C (p.Ile155Leu)

Gene: RAD50 (RAD50 double strand break repair protein; plus strand). Cytogenetic location: 5q31.1.
Variant type: single nucleotide variant.
Coding change: c.463A>C on transcript NM_005732.4 (MANE Select); coding-DNA position 463, A replaced by C.
Protein change: p.Ile155Leu; replaces isoleucine 155 with leucine.
Molecular consequence: missense variant.
Genome position (GRCh38, 1-based): chr5:132,579,414, A>C. VCF-style: chr5-132579414-A-C. GRCh37 (hg19) VCF-style: chr5-131915106-A-C.
Other names: short protein forms I155L.
Identifiers: ClinVar variation 1390456 (VCV001390456.6), dbSNP rs375845724, ClinGen allele CA360934288.
Genomic context (GRCh38, chr5:132,579,414, plus strand): 5'-GAAATTGACCGAGAAATGATCAGTTCTCTTGGGGTTTCCAAGGCTGTGCTAAATAATGTC[A>C]TTTTCTGTCATCAAGAAGATTCTAATTGGCCTTTAAGTGAAGGAAAGGCTTTGAAGCAAA-3'
Protein context (NP_005723.2, residues 145-165): GVSKAVLNNV[Ile155Leu]FCHQEDSNWP